The following is an entry in ClinVar:

ClinVar aggregate classification (germline): Likely pathogenic. Review status: criteria provided, single submitter (1 of 4 stars). 2 submissions from 2 submitters: Likely pathogenic (1). 1 of the submissions does not count toward it. Last evaluated 2023-02-26.

Conditions:
Hereditary von Willebrand disease. Identifiers: Orphanet 903, MedGen C5703318, MONDO:0019565. Inheritance: Autosomal recessive or Autosomal dominant.

Submissions (2):

Women's Health and Genetics/Laboratory Corporation of America, LabCorp
Classification: Likely pathogenic for von Willebrand disorder. Last evaluated: 2023-02-26. Review status: criteria provided, single submitter. Criteria: LabCorp Variant Classification Summary - May 2015. Collection method: clinical testing. Allele origin: germline.
Comment: Variant summary: VWF c.3839_3845dupTCCTGCT (p.Asp1283ProfsX12) results in a premature termination codon, predicted to cause a truncation of the encoded protein or absence of the protein due to nonsense mediated decay, which are commonly known mechanisms for disease. Truncations downstream of this position have been classified as pathogenic by our laboratory. The variant allele was found at a frequency of 4e-06 in 251050 control chromosomes (gnomAD). c.3839_3845dupTCCTGCT has been reported in the literature in at least one individual affected with Von Willebrand Disease (Goodeve_2007). These data do not allow any conclusion about variant significance. To our knowledge, no experimental evidence demonstrating an impact on protein function has been reported. No clinical diagnostic laboratories have submitted clinical-significance assessments for this variant to ClinVar after 2014. Based on the evidence outlined above, the variant was classified as likely pathogenic.

Academic Unit of Haematology, University of Sheffield
No classification provided. Review status: no classification provided. Collection method: not provided. Allele origin: not provided. Not counted in ClinVar's aggregate classification.

Literature cited by the submitters: PubMed 16985174 (cited by Women's Health and Genetics/Laboratory Corporation of America, LabCorp).

NM_000552.5(VWF):c.3839_3845dup (p.Asp1283fs)

Gene: VWF (von Willebrand factor; minus strand). Cytogenetic location: 12p13.31.
Variant type: Duplication.
Coding change: c.3839_3845dup on transcript NM_000552.5 (MANE Select); coding-DNA positions 3839 to 3845, 7 bases duplicated (TCCTGCT; older notation c.3839_3845dupTCCTGCT).
Protein change: p.Asp1283fs; shifts the reading frame from aspartic acid 1283.
Molecular consequence: frameshift variant.
Genome position (GRCh38, 1-based): chr12:6,019,573-6,019,579, AGCAGGA duplicated on the plus strand (TCCTGCT on the coding strand, the reverse complement: VWF is on the minus strand); duplicating any 7 consecutive bases within chr12:6,019,573-6,019,581 gives the same sequence; the c. name uses the placement nearest the transcript's 3' end. VCF-style (leftmost placement, unchanged base first): chr12-6019572-C-CAGCAGGA. GRCh37 (hg19) VCF-style: chr12-6128738-C-CAGCAGGA.
Other names: c.3839_3845dupTCCTGCT (NM_000552.4); short protein forms D1283fs.
Identifiers: ClinVar variation 100290 (VCV000100290.2), dbSNP rs61749377, ClinGen allele CA228463.